The following is an entry in ClinVar:

NM_000083.3(CLCN1):c.1831C>T (p.Arg611Cys)

Gene: CLCN1 (chloride voltage-gated channel 1; plus strand). Cytogenetic location: 7q34.
Variant type: single nucleotide variant.
Coding change: c.1831C>T on transcript NM_000083.3 (MANE Select); coding-DNA position 1831, C replaced by T.
Protein change: p.Arg611Cys; replaces arginine 611 with cysteine.
Molecular consequence: missense variant. On other transcripts: non-coding transcript variant (1).
Genome position (GRCh38, 1-based): chr7:143,342,406, C>T. VCF-style: chr7-143342406-C-T. GRCh37 (hg19) VCF-style: chr7-143039499-C-T.
Other names: short protein forms R611C.
Identifiers: ClinVar variation 585685 (VCV000585685.8), dbSNP rs146469288, ClinGen allele CA4537496.

ClinVar aggregate classification (germline): Uncertain significance. Review status: criteria provided, multiple submitters, no conflicts (2 of 4 stars). 3 submissions from 3 submitters: Uncertain significance (3). Last evaluated 2025-06-27.

Conditions:
Congenital myotonia, autosomal recessive form. Also called: BECKER DISEASE; Becker Generalized Myotonia; myotonia congenita, autosomal recessive. Identifiers: Orphanet 614, MedGen C0751360, MONDO:0009715, OMIM 255700.
Congenital myotonia, autosomal dominant form (THD). Also called: THOMSEN DISEASE; Myotonia congenita autosomal dominant. Identifiers: Orphanet 614, MedGen C2936781, MONDO:0008055, OMIM 160800.

Allele frequency attached by ClinVar (database versions not stated): gnomAD exomes 0.00001; gnomAD 0.00003 and 0.00004; TOPMed 0.00006; ESP Exome Variant Server 0.00008; ExAC 0.00001.
gnomAD v4.1: 21 of 1,613,986 alleles (0.0013%); highest among the groups gnomAD compares: African/African-American, 0.0093%; 1 homozygote.

Submissions (3):

Labcorp Genetics (formerly Invitae), Labcorp
Classification: Uncertain significance for Congenital myotonia, autosomal recessive form; Congenital myotonia, autosomal dominant form. Last evaluated: 2025-06-27. Review status: criteria provided, single submitter. Criteria: Invitae Variant Classification Sherloc (09022015). Collection method: clinical testing. Allele origin: germline.
Comment: This sequence change replaces arginine, which is basic and polar, with cysteine, which is neutral and slightly polar, at codon 611 of the CLCN1 protein (p.Arg611Cys). This variant is present in population databases (rs146469288, gnomAD 0.005%). This variant has not been reported in the literature in individuals affected with CLCN1-related conditions. ClinVar contains an entry for this variant (Variation ID: 585685). Invitae Evidence Modeling of protein sequence and biophysical properties (such as structural, functional, and spatial information, amino acid conservation, physicochemical variation, residue mobility, and thermodynamic stability) has been performed for this missense variant. However, the output from this modeling did not meet the statistical confidence thresholds required to predict the impact of this variant on CLCN1 protein function. In summary, the available evidence is currently insufficient to determine the role of this variant in disease. Therefore, it has been classified as a Variant of Uncertain Significance.

Athena Diagnostics
Classification: Uncertain significance. Last evaluated: 2018-08-02. Review status: criteria provided, single submitter. Criteria: Athena Diagnostics Criteria. Collection method: clinical testing. Allele origin: germline.

Neuberg Centre For Genomic Medicine, NCGM
Classification: Uncertain significance for Congenital myotonia, autosomal recessive form. Review status: criteria provided, single submitter. Criteria: ACMG Guidelines, 2015. Collection method: clinical testing. Allele origin: germline. Inheritance: Autosomal recessive inheritance. Affected: yes.
Comment: The missense variant c.1831C>T (p.Arg611Cys) has been submitted to ClinVar as a Variant of Uncertain Significance, but no details are available for independent assessment. It has not been reported in affected individuals. The p.Arg611Cys variant is reported with the allele frequency (0.001%) in the gnomAD Exomes and is novel (not in any individuals) in 1000 Genomes. The amino acid Arg at position 611 is changed to a Cys changing protein sequence and it might alter its composition and physico-chemical properties. The variant is predicted to be damaging by SIFT and the residue is conserved across species. The amino acid change p.Arg611Cys in CLCN1 is predicted as conserved by GERP++ and PhyloP across 100 vertebrates. For these reasons, this variant has been classified as Variant of Uncertain Significance (VUS).